The following is an entry in ClinVar:

NM_000751.3(CHRND):c.1084T>A (p.Ser362Thr)

Gene: CHRND (cholinergic receptor nicotinic delta subunit; plus strand). Cytogenetic location: 2q37.1.
Variant type: single nucleotide variant.
Coding change: c.1084T>A on transcript NM_000751.3 (MANE Select); coding-DNA position 1084, T replaced by A.
Protein change: p.Ser362Thr; replaces serine 362 with threonine.
Molecular consequence: missense variant.
Genome position (GRCh38, 1-based): chr2:232,533,967, T>A. VCF-style: chr2-232533967-T-A. GRCh37 (hg19) VCF-style: chr2-233398677-T-A.
Other names: c.1039T>A, p.Ser347Thr (NM_001256657.2); c.502T>A, p.Ser168Thr (NM_001311195.2); c.781T>A, p.Ser261Thr (NM_001311196.2); short protein forms S347T, S362T, S168T, S261T.
Identifiers: ClinVar variation 947800 (VCV000947800.9), dbSNP rs778769803, ClinGen allele CA2168261.

ClinVar aggregate classification (germline): Uncertain significance (1 of 4 stars; one submission).

Conditions:
Lethal multiple pterygium syndrome (LMPS). Identifiers: Orphanet 33108, MedGen C1854678, MONDO:0009668, OMIM 253290.

Allele frequency attached by ClinVar (database versions not stated): gnomAD exomes below 0.00001 and 0.00001; ExAC 0.00001; TOPMed 0.00001.
gnomAD v4.1: 2 of 1,613,510 alleles (0.00012%); highest among the groups gnomAD compares: Non-Finnish European, 0.00017%; no homozygotes.

Submission:

Labcorp Genetics (formerly Invitae), Labcorp
Classification: Uncertain significance for Lethal multiple pterygium syndrome. Last evaluated: 2025-04-20. Review status: criteria provided, single submitter. Criteria: Invitae Variant Classification Sherloc (09022015). Collection method: clinical testing. Allele origin: germline.
Comment: This sequence change replaces serine, which is neutral and polar, with threonine, which is neutral and polar, at codon 362 of the CHRND protein (p.Ser362Thr). This variant is present in population databases (rs778769803, gnomAD 0.002%). This variant has not been reported in the literature in individuals affected with CHRND-related conditions. ClinVar contains an entry for this variant (Variation ID: 947800). Invitae Evidence Modeling of protein sequence and biophysical properties (such as structural, functional, and spatial information, amino acid conservation, physicochemical variation, residue mobility, and thermodynamic stability) indicates that this missense variant is not expected to disrupt CHRND protein function with a negative predictive value of 95%. In summary, the available evidence is currently insufficient to determine the role of this variant in disease. Therefore, it has been classified as a Variant of Uncertain Significance.